The following is an entry in ClinVar:

NM_020297.4(ABCC9):c.4129A>G (p.Ile1377Val)

Genes: ABCC9 (ATP binding cassette subfamily C member 9; minus strand), KCNJ8-AS1 (KCNJ8 antisense RNA 1; plus strand). Cytogenetic location: 12p12.1.
Variant type: single nucleotide variant.
Coding change: c.4129A>G on transcript NM_020297.4 (MANE Select); coding-DNA position 4129, A replaced by G.
Protein change: p.Ile1377Val; replaces isoleucine 1377 with valine.
Molecular consequence: missense variant.
Genome position (GRCh38, 1-based): chr12:21,812,131, T>C on the plus strand (A>G on the coding strand, the complement: ABCC9 is on the minus strand). VCF-style: chr12-21812131-T-C. GRCh37 (hg19) VCF-style: chr12-21965065-T-C.
Other names: c.4129A>G (NM_005691.2); c.4129A>G, p.Ile1377Val (NM_001377273.1, NM_005691.4); c.3262A>G, p.Ile1088Val (NM_001377274.1); short protein forms I1377V, I1088V.
Identifiers: ClinVar variation 569173 (VCV000569173.12), dbSNP rs1565687632, ClinGen allele CA384134935.

ClinVar aggregate classification (germline): Uncertain significance. Review status: criteria provided, multiple submitters, no conflicts (2 of 4 stars). 3 submissions from 3 submitters: Uncertain significance (3). Last evaluated 2024-07-05.

Conditions:
Cardiovascular phenotype. Identifiers: MedGen CN230736.
Dilated cardiomyopathy 1O (CMD1O). Also called: CARDIOMYOPATHY, DILATED, WITH VENTRICULAR TACHYCARDIA. Identifiers: Orphanet 154, MedGen C1837839, MONDO:0012062, OMIM 608569.

Allele frequency attached by ClinVar (database versions not stated): gnomAD exomes 0.00001.
gnomAD v4.1: 15 of 1,612,422 alleles (0.00093%); highest among the groups gnomAD compares: Non-Finnish European, 0.0013%; no homozygotes.

Submissions (3):

Ambry Genetics
Classification: Uncertain significance for Cardiovascular phenotype. Last evaluated: 2024-07-05. Review status: criteria provided, single submitter. Criteria: Ambry Variant Classification Scheme 2023. Collection method: clinical testing. Allele origin: germline.
Comment: The p.I1377V variant (also known as c.4129A>G), located in coding exon 34 of the ABCC9 gene, results from an A to G substitution at nucleotide position 4129. The isoleucine at codon 1377 is replaced by valine, an amino acid with highly similar properties. This amino acid position is highly conserved in available vertebrate species. In addition, the in silico prediction for this alteration is inconclusive. Based on the available evidence, the clinical significance of this variant remains unclear.

Labcorp Genetics (formerly Invitae), Labcorp
Classification: Uncertain significance for Dilated cardiomyopathy 1O. Last evaluated: 2023-11-18. Review status: criteria provided, single submitter. Criteria: Invitae Variant Classification Sherloc (09022015). Collection method: clinical testing. Allele origin: germline.
Comment: This sequence change replaces isoleucine, which is neutral and non-polar, with valine, which is neutral and non-polar, at codon 1377 of the ABCC9 protein (p.Ile1377Val). This variant is not present in population databases (gnomAD no frequency). This variant has not been reported in the literature in individuals affected with ABCC9-related conditions. ClinVar contains an entry for this variant (Variation ID: 569173). Advanced modeling of protein sequence and biophysical properties (such as structural, functional, and spatial information, amino acid conservation, physicochemical variation, residue mobility, and thermodynamic stability) performed at Invitae indicates that this missense variant is expected to disrupt ABCC9 protein function with a positive predictive value of 95%. In summary, the available evidence is currently insufficient to determine the role of this variant in disease. Therefore, it has been classified as a Variant of Uncertain Significance.

Blueprint Genetics
Classification: Uncertain significance. Last evaluated: 2018-10-12. Review status: criteria provided, single submitter. Criteria: ACMG Guidelines, 2015. Collection method: clinical testing. Allele origin: germline.